The following is an entry in ClinVar:

NM_138713.4(NFAT5):c.3108A>T (p.Gln1036His)

Gene: NFAT5 (nuclear factor of activated T cells 5; plus strand). Cytogenetic location: 16q22.1.
Variant type: single nucleotide variant.
Coding change: c.3108A>T on transcript NM_138713.4 (MANE Select); coding-DNA position 3108, A replaced by T.
Protein change: p.Gln1036His; replaces glutamine 1036 with histidine.
Molecular consequence: missense variant.
Genome position (GRCh38, 1-based): chr16:69,692,933, A>T. VCF-style: chr16-69692933-A-T. GRCh37 (hg19) VCF-style: chr16-69726836-A-T.
Other names: c.3105A>T, p.Gln1035His (NM_001113178.3); c.2433A>T, p.Gln811His (NM_001367709.1); c.3054A>T, p.Gln1018His (NM_006599.4); c.2826A>T, p.Gln942His (NM_138714.4, NM_173214.3, NM_173215.3); short protein forms Q1018H, Q1035H, Q1036H, Q811H, Q942H.
Identifiers: ClinVar variation 1364002 (VCV001364002.8), dbSNP rs2151720870, ClinGen allele CA396512269.

ClinVar aggregate classification (germline): Uncertain significance (1 of 4 stars; one submission).

Conditions:
Immunodeficiency. Identifiers: MedGen C0021051, MONDO:0021094, HP:0002721.

Submission:

Labcorp Genetics (formerly Invitae), Labcorp
Classification: Uncertain significance for Immunodeficiency. Last evaluated: 2021-01-10. Review status: criteria provided, single submitter. Criteria: Invitae Variant Classification Sherloc (09022015). Collection method: clinical testing. Allele origin: germline.
Comment: This sequence change replaces glutamine with histidine at codon 942 of the NFAT5 protein (p.Gln942His). The glutamine residue is highly conserved and there is a small physicochemical difference between glutamine and histidine. In summary, the available evidence is currently insufficient to determine the role of this variant in disease. Therefore, it has been classified as a Variant of Uncertain Significance. Algorithms developed to predict the effect of missense changes on protein structure and function are either unavailable or do not agree on the potential impact of this missense change (SIFT: "Deleterious"; PolyPhen-2: "Possibly Damaging"; Align-GVGD: "Class C0"). This variant has not been reported in the literature in individuals with NFAT5-related conditions. This variant is not present in population databases (ExAC no frequency).